The following is an entry in ClinVar:

NM_133433.4(NIPBL):c.3940A>G (p.Thr1314Ala)

Gene: NIPBL (NIPBL cohesin loading factor; plus strand). Cytogenetic location: 5p13.2.
Variant type: single nucleotide variant.
Coding change: c.3940A>G on transcript NM_133433.4 (MANE Select); coding-DNA position 3940, A replaced by G.
Protein change: p.Thr1314Ala; replaces threonine 1314 with alanine.
Molecular consequence: missense variant.
Genome position (GRCh38, 1-based): chr5:37,006,441, A>G. VCF-style: chr5-37006441-A-G. GRCh37 (hg19) VCF-style: chr5-37006543-A-G.
Other names: c.3940A>G, p.Thr1314Ala (NM_015384.5); short protein forms T1314A.
Identifiers: ClinVar variation 3626521 (VCV003626521.2).

ClinVar aggregate classification (germline): Uncertain significance (1 of 4 stars; one submission).

Conditions:
Cornelia de Lange syndrome 1 (CDLS1). Also called: Brachmann de Lange syndrome; TYPUS DEGENERATIVUS AMSTELODAMENSIS; NIPBL-Related Cornelia de Lange Syndrome. Identifiers: Orphanet 199, MedGen C4551851, MONDO:0007387, OMIM 122470.

gnomAD v4.1: 14 of 1,612,854 alleles (0.00087%); highest among the groups gnomAD compares: South Asian, 0.0022%; no homozygotes.

Submission:

Labcorp Genetics (formerly Invitae), Labcorp
Classification: Uncertain significance for Cornelia de Lange syndrome 1. Last evaluated: 2024-11-02. Review status: criteria provided, single submitter. Criteria: Invitae Variant Classification Sherloc (09022015). Collection method: clinical testing. Allele origin: germline.
Comment: This sequence change replaces threonine, which is neutral and polar, with alanine, which is neutral and non-polar, at codon 1314 of the NIPBL protein (p.Thr1314Ala). This variant is present in population databases (rs760196234, gnomAD 0.003%). This variant has not been reported in the literature in individuals affected with NIPBL-related conditions. Invitae Evidence Modeling of protein sequence and biophysical properties (such as structural, functional, and spatial information, amino acid conservation, physicochemical variation, residue mobility, and thermodynamic stability) indicates that this missense variant is not expected to disrupt NIPBL protein function with a negative predictive value of 95%. In summary, the available evidence is currently insufficient to determine the role of this variant in disease. Therefore, it has been classified as a Variant of Uncertain Significance.